The following is an entry in ClinVar:

ClinVar aggregate classification (germline): Uncertain significance (1 of 4 stars; one submission).

Conditions:
Hereditary cancer-predisposing syndrome. Also called: Tumor predisposition; Neoplastic Syndromes, Hereditary; Hereditary neoplastic syndrome; Hereditary Cancer Syndrome. Identifiers: Orphanet 140162, MedGen C0027672, MeSH D009386, MONDO:0015356.

gnomAD v4.1: 1 of 1,613,688 alleles (0.000062%); highest among the groups gnomAD compares: Non-Finnish European, 0.000085%; no homozygotes.

Submission:

Ambry Genetics
Classification: Uncertain significance for Hereditary cancer-predisposing syndrome. Last evaluated: 2025-09-05. Review status: criteria provided, single submitter. Criteria: Ambry Variant Classification Scheme 2023. Collection method: clinical testing. Allele origin: germline.
Comment: The p.I962N variant (also known as c.2885T>A), located in coding exon 4 of the MSH6 gene, results from a T to A substitution at nucleotide position 2885. The isoleucine at codon 962 is replaced by asparagine, an amino acid with dissimilar properties. This amino acid position is not well conserved in available vertebrate species. In addition, the in silico prediction for this alteration is inconclusive. Based on the available evidence, the clinical significance of this variant remains unclear.

NM_000179.3(MSH6):c.2885T>A (p.Ile962Asn)

Gene: MSH6 (mutS homolog 6; plus strand). Cytogenetic location: 2p16.3.
Variant type: single nucleotide variant.
Coding change: c.2885T>A on transcript NM_000179.3 (MANE Select); coding-DNA position 2885, T replaced by A.
Protein change: p.Ile962Asn; replaces isoleucine 962 with asparagine.
Molecular consequence: missense variant. On other transcripts: non-coding transcript variant (5), intron variant (2).
Genome position (GRCh38, 1-based): chr2:47,800,868, T>A. VCF-style: chr2-47800868-T-A. GRCh37 (hg19) VCF-style: chr2-48028007-T-A.
Other names: c.2495T>A, p.Ile832Asn (NM_001281492.2); c.1979T>A, p.Ile660Asn (NM_001281493.2, NM_001281494.2, NM_001406811.1 and 6 more transcripts); c.2981T>A, p.Ile994Asn (NM_001406795.1, NM_001406802.1); c.2885T>A, p.Ile962Asn (NM_001406796.1, NM_001406798.1, NM_001406800.1 and 2 more transcripts); c.2588T>A, p.Ile863Asn (NM_001406797.1, NM_001406801.1, NM_001406805.1 and 10 more transcripts); c.2360T>A, p.Ile787Asn (NM_001406799.1, NM_001406806.1, NM_001406807.1); c.2807T>A, p.Ile936Asn (NM_001406804.1); c.2891T>A, p.Ile964Asn (NM_001406813.1); and 4 more; short protein forms I277N, I962N, I964N, I936N, I994N, I660N, I787N, I863N.
Identifiers: ClinVar variation 4111233 (VCV004111233.1).
Genomic context (GRCh38, chr2:47,800,868, plus strand): 5'-CTGACATAAGAGAAAATGAACAGAGCCTCCTGGAATACCTAGAGAAACAGCGCAACAGAA[T>A]TGGCTGTAGGACCATAGTCTATTGGGGGATTGGTAGGAACCGTTACCAGCTGGAAATTCC-3'
Protein context (NP_000170.1, residues 952-972): LEYLEKQRNR[Ile962Asn]GCRTIVYWGI